The following is an entry in ClinVar:

NM_005559.4(LAMA1):c.8263A>G (p.Met2755Val)

Gene: LAMA1 (laminin subunit alpha 1; minus strand). Cytogenetic location: 18p11.31.
Variant type: single nucleotide variant.
Coding change: c.8263A>G on transcript NM_005559.4 (MANE Select); coding-DNA position 8263, A replaced by G.
Protein change: p.Met2755Val; replaces methionine 2755 with valine.
Molecular consequence: missense variant.
Genome position (GRCh38, 1-based): chr18:6,950,916, T>C on the plus strand (A>G on the coding strand, the complement: LAMA1 is on the minus strand). VCF-style: chr18-6950916-T-C. GRCh37 (hg19) VCF-style: chr18-6950915-T-C.
Other names: short protein forms M2755V.
Identifiers: ClinVar variation 1028396 (VCV001028396.6), dbSNP rs373014487, ClinGen allele CA8880527.

ClinVar aggregate classification (germline): Uncertain significance. Review status: criteria provided, multiple submitters, no conflicts (2 of 4 stars). 4 submissions from 4 submitters: Uncertain significance (4). Last evaluated 2025-07-09.

Conditions:
LAMA1-related disorder. Also called: LAMA1-related condition; LAMA1-related disorders.
Ataxia - intellectual disability - oculomotor apraxia - cerebellar cysts syndrome. Also called: Poretti-Boltshauser syndrome. Identifiers: Orphanet 370022, MedGen C4014821, MONDO:0014419, OMIM 615960.
Inborn genetic diseases. Identifiers: MedGen C0950123, MeSH D030342.

Allele frequency attached by ClinVar (database versions not stated): gnomAD exomes 0.00001 and 0.00005; TOPMed 0.00003; ExAC 0.00005; ESP Exome Variant Server 0.00015.
gnomAD v4.1: 20 of 1,614,142 alleles (0.0012%); highest among the groups gnomAD compares: Admixed American, 0.03%; no homozygotes.

Submissions (4):

PreventionGenetics, part of Exact Sciences
Classification: Uncertain significance for LAMA1-related condition. Last evaluated: 2025-07-09. Review status: criteria provided, single submitter. Criteria: ACMG Guidelines, 2015. Collection method: clinical testing. Allele origin: germline.
Comment: The LAMA1 c.8263A>G variant is predicted to result in the amino acid substitution p.Met2755Val. To our knowledge, this variant has not been reported in the literature. This variant is reported in 0.032% of alleles in individuals of Latino descent in gnomAD. At this time, the clinical significance of this variant is uncertain due to the absence of conclusive functional and genetic evidence.

Labcorp Genetics (formerly Invitae), Labcorp
Classification: Uncertain significance. Last evaluated: 2025-01-06. Review status: criteria provided, single submitter. Criteria: Invitae Variant Classification Sherloc (09022015). Collection method: clinical testing. Allele origin: germline.
Comment: This sequence change replaces methionine, which is neutral and non-polar, with valine, which is neutral and non-polar, at codon 2755 of the LAMA1 protein (p.Met2755Val). This variant is present in population databases (rs373014487, gnomAD 0.04%). This variant has not been reported in the literature in individuals affected with LAMA1-related conditions. ClinVar contains an entry for this variant (Variation ID: 1028396). Invitae Evidence Modeling of protein sequence and biophysical properties (such as structural, functional, and spatial information, amino acid conservation, physicochemical variation, residue mobility, and thermodynamic stability) indicates that this missense variant is not expected to disrupt LAMA1 protein function with a negative predictive value of 80%. In summary, the available evidence is currently insufficient to determine the role of this variant in disease. Therefore, it has been classified as a Variant of Uncertain Significance.

Ambry Genetics
Classification: Uncertain significance for Inborn genetic diseases. Last evaluated: 2021-07-09. Review status: criteria provided, single submitter. Criteria: Ambry Variant Classification Scheme 2023. Collection method: clinical testing. Allele origin: germline.

Baylor Genetics
Classification: Uncertain significance for Ataxia - intellectual disability - oculomotor apraxia - cerebellar cysts syndrome. Last evaluated: 2019-11-11. Review status: criteria provided, single submitter. Criteria: ACMG Guidelines, 2015. Collection method: clinical testing. Allele origin: unknown. Affected: yes.
Comment: This variant was determined to be of uncertain significance according to ACMG Guidelines, 2015 [PMID:25741868].